The following is an entry in ClinVar:

NM_000038.6(APC):c.6440C>T (p.Pro2147Leu)

Gene: APC (APC regulator of Wnt signaling pathway; plus strand). Cytogenetic location: 5q22.2.
Variant type: single nucleotide variant.
Coding change: c.6440C>T on transcript NM_000038.6 (MANE Select); coding-DNA position 6440, C replaced by T.
Protein change: p.Pro2147Leu; replaces proline 2147 with leucine.
Molecular consequence: missense variant.
Genome position (GRCh38, 1-based): chr5:112,842,034, C>T. VCF-style: chr5-112842034-C-T. GRCh37 (hg19) VCF-style: chr5-112177731-C-T.
Other names: c.6440C>T, p.Pro2147Leu (NM_001127510.3, NM_001354895.2); c.6386C>T, p.Pro2129Leu (NM_001127511.3); c.6494C>T, p.Pro2165Leu (NM_001354896.2); c.6470C>T, p.Pro2157Leu (NM_001354897.2); c.6365C>T, p.Pro2122Leu (NM_001354898.2); c.6356C>T, p.Pro2119Leu (NM_001354899.2); c.6317C>T, p.Pro2106Leu (NM_001354900.2); c.6263C>T, p.Pro2088Leu (NM_001354901.2); and 5 more; short protein forms P2129L, P2147L, P1987L, P2021L, P2088L, P2106L, P2122L, P2157L.
Identifiers: ClinVar variation 220427 (VCV000220427.30), dbSNP rs779469633, ClinGen allele CA044606.

ClinVar aggregate classification (germline): Uncertain significance. Review status: criteria provided, multiple submitters, no conflicts (2 of 4 stars). 9 submissions from 9 submitters: Uncertain significance (8). 1 of the submissions does not count toward it. Last evaluated 2025-09-08.

Conditions:
Classic or attenuated familial adenomatous polyposis. Identifiers: MedGen CN372698, MONDO:0021057.
Hereditary cancer-predisposing syndrome. Also called: Tumor predisposition; Neoplastic Syndromes, Hereditary; Hereditary Cancer Syndrome; Hereditary neoplastic syndrome. Identifiers: Orphanet 140162, MedGen C0027672, MeSH D009386, MONDO:0015356.
Familial adenomatous polyposis 1 (FAP1). Also called: FAMILIAL ADENOMATOUS POLYPOSIS 1, ATTENUATED; POLYPOSIS, ADENOMATOUS INTESTINAL. Identifiers: MedGen C2713442, MONDO:0021056, OMIM 175100. Disease mechanism: loss of function.

Allele frequency attached by ClinVar (database versions not stated): gnomAD 0.00001; gnomAD exomes 0.00003 and 0.00001; ExAC 0.00002; TOPMed 0.00001.
gnomAD v4.1: 42 of 1,613,226 alleles (0.0026%); highest among the groups gnomAD compares: Non-Finnish European, 0.0035%; no homozygotes.

Submissions (9):

Labcorp Genetics (formerly Invitae), Labcorp
Classification: Uncertain significance for Familial adenomatous polyposis 1. Last evaluated: 2025-09-08. Review status: criteria provided, single submitter. Criteria: Invitae Variant Classification Sherloc (09022015). Collection method: clinical testing. Allele origin: germline.
Comment: This sequence change replaces proline, which is neutral and non-polar, with leucine, which is neutral and non-polar, at codon 2147 of the APC protein (p.Pro2147Leu). This variant is present in population databases (rs779469633, gnomAD 0.002%). This variant has not been reported in the literature in individuals affected with APC-related conditions. ClinVar contains an entry for this variant (Variation ID: 220427). Invitae Evidence Modeling of protein sequence and biophysical properties (such as structural, functional, and spatial information, amino acid conservation, physicochemical variation, residue mobility, and thermodynamic stability) indicates that this missense variant is not expected to disrupt APC protein function with a negative predictive value of 95%. In summary, the available evidence is currently insufficient to determine the role of this variant in disease. Therefore, it has been classified as a Variant of Uncertain Significance.

Ambry Genetics
Classification: Uncertain significance for Hereditary cancer-predisposing syndrome. Last evaluated: 2025-08-24. Review status: criteria provided, single submitter. Criteria: Ambry Variant Classification Scheme 2023. Collection method: clinical testing. Allele origin: germline.
Comment: The p.P2147L variant (also known as c.6440C>T), located in coding exon 15 of the APC gene, results from a C to T substitution at nucleotide position 6440. The proline at codon 2147 is replaced by leucine, an amino acid with similar properties. This amino acid position is highly conserved in available vertebrate species. In addition, in silico predictors for this gene do not accurately predict pathogenicity. Since supporting evidence is limited at this time, the clinical significance of this alteration remains unclear.

Quest Diagnostics Nichols Institute San Juan Capistrano
Classification: Uncertain significance. Last evaluated: 2024-09-18. Review status: criteria provided, single submitter. Criteria: Quest Diagnostics criteria. Collection method: clinical testing. Allele origin: unknown.
Comment: The APC c.6440C>T (p.Pro2147Leu) variant has not been reported in individuals with APC-related conditions in the published literature. The frequency of this variant in the general population, 0.000008 (2/250408 chromosomes (Genome Aggregation Database)), is uninformative in the assessment of its pathogenicity. Analysis of this variant using bioinformatics tools for the prediction of the effect of amino acid changes on protein structure and function yielded predictions that this variant is damaging. Based on the available information, we are unable to determine the clinical significance of this variant.

All of Us Research Program, National Institutes of Health
Classification: Uncertain significance for Classic or attenuated familial adenomatous polyposis. Last evaluated: 2024-05-14. Review status: criteria provided, single submitter. Criteria: ACMG Guidelines, 2015. Collection method: clinical testing. Allele origin: germline. Inheritance: Autosomal dominant inheritance. Observed: 5 variant alleles, 5 heterozygotes.
Comment: This missense variant replaces proline with leucine at codon 2147 of the APC protein. Computational prediction suggests that this variant may not impact protein structure and function (internally defined REVEL score threshold <= 0.5, PMID: 27666373). Splice site prediction tools suggest that this variant may not impact RNA splicing. To our knowledge, functional studies have not been performed for this variant. This variant has not been reported in individuals affected with hereditary cancer in the literature. This variant has been identified in 2/250408 chromosomes in the general population by the Genome Aggregation Database (gnomAD). The available evidence is insufficient to determine the role of this variant in disease conclusively. Therefore, this variant is classified as a Variant of Uncertain Significance.

This study involves interpretation of variants in research participants for the purpose of population health screening. Participant phenotype was not available at the time of variant classification. Additional details can be found in publication PMID: 35346344, PMCID: PMC8962531

Color Diagnostics, LLC DBA Color Health
Classification: Uncertain significance for Hereditary cancer-predisposing syndrome. Last evaluated: 2024-03-06. Review status: criteria provided, single submitter. Criteria: ACMG Guidelines, 2015. Collection method: clinical testing. Allele origin: germline.
Comment: This missense variant replaces proline with leucine at codon 2147 of the APC protein. Computational prediction suggests that this variant may not impact protein structure and function (internally defined REVEL score threshold <= 0.5, PMID: 27666373). To our knowledge, functional studies have not been reported for this variant. This variant has not been reported in individuals affected with APC-related disorders in the literature. This variant has been identified in 2/250408 chromosomes in the general population by the Genome Aggregation Database (gnomAD). The available evidence is insufficient to determine the role of this variant in disease conclusively. Therefore, this variant is classified as a Variant of Uncertain Significance.

GeneDx
Classification: Uncertain significance. Last evaluated: 2024-01-17. Review status: criteria provided, single submitter. Criteria: GeneDx Variant Classification Process June 2021. Collection method: clinical testing. Allele origin: germline.
Comment: Not observed at significant frequency in large population cohorts (gnomAD); In silico analysis supports that this missense variant has a deleterious effect on protein structure/function; Has not been previously published as pathogenic or benign to our knowledge

Baylor Genetics
Classification: Uncertain significance for Familial adenomatous polyposis 1. Last evaluated: 2023-09-21. Review status: criteria provided, single submitter. Criteria: ACMG Guidelines, 2015. Collection method: clinical testing. Allele origin: unknown.

Myriad Genetics, Inc.
Classification: Uncertain significance for Familial adenomatous polyposis 1. Last evaluated: 2023-02-15. Review status: criteria provided, single submitter. Criteria: Myriad Autosomal Dominant, Autosomal Recessive and X-Linked Classification Criteria (2023). Collection method: clinical testing. Allele origin: unknown.
Comment: This variant is classified as a variant of uncertain significance as there is insufficient evidence to determine its impact on protein function and/or cancer risk.

Counsyl
Classification: Uncertain significance for Familial adenomatous polyposis 1. Last evaluated: 2017-10-03. Review status: no assertion criteria provided. Collection method: clinical testing. Allele origin: unknown. Not counted in ClinVar's aggregate classification.